The following is an entry in ClinVar:

NM_000455.5(STK11):c.292G>A (p.Glu98Lys)

Gene: STK11 (serine/threonine kinase 11; plus strand). Cytogenetic location: 19p13.3.
Variant type: single nucleotide variant.
Coding change: c.292G>A on transcript NM_000455.5 (MANE Select); coding-DNA position 292, G replaced by A.
Protein change: p.Glu98Lys; replaces glutamic acid 98 with lysine.
Molecular consequence: missense variant.
Genome position (GRCh38, 1-based): chr19:1,218,418, G>A. VCF-style: chr19-1218418-G-A. GRCh37 (hg19) VCF-style: chr19-1218417-G-A.
Other names: c.292G>A, p.Glu98Lys (NM_001407255.1); short protein forms E98K.
Identifiers: ClinVar variation 2431890 (VCV002431890.1), dbSNP rs2145420512, ClinGen allele CA402947621.

ClinVar aggregate classification (germline): Uncertain significance (1 of 4 stars; one submission).

Conditions:
Peutz-Jeghers syndrome (PJS). Also called: Peutz-Jeghers polyposis; Periorificial lentiginosis syndrome; POLYPOSIS, HAMARTOMATOUS INTESTINAL; POLYPS-AND-SPOTS SYNDROME. Identifiers: Orphanet 2869, MedGen C0031269, MeSH D010580, MONDO:0008280, OMIM 175200.

Submission:

Laboratorio de Genetica e Diagnostico Molecular, Hospital Israelita Albert Einstein
Classification: Uncertain significance for Peutz-Jeghers syndrome. Last evaluated: 2023-01-27. Review status: criteria provided, single submitter. Criteria: ACMG Guidelines, 2015. Collection method: clinical testing. Allele origin: germline. Affected: yes. Observed: 1 variant allele.
Comment: ACMG classification criteria: PM2 moderated, PP3 supporting